The following is an entry in ClinVar:

NM_005751.5(AKAP9):c.9025-1G>C

Gene: AKAP9 (A-kinase anchoring protein 9; plus strand). Cytogenetic location: 7q21.2.
Variant type: single nucleotide variant.
Coding change: c.9025-1G>C on transcript NM_005751.5 (MANE Select); the canonical splice acceptor site of the intron before coding-DNA position 9025, G replaced by C.
Molecular consequence: splice acceptor variant.
Genome position (GRCh38, 1-based): chr7:92,086,227, G>C. VCF-style: chr7-92086227-G-C. GRCh37 (hg19) VCF-style: chr7-91715541-G-C.
Other names: c.9001-1G>C (NM_147185.3); c.3670-1G>C (NM_001379277.1).
Identifiers: ClinVar variation 3225107 (VCV003225107.3), dbSNP rs374537447, ClinGen allele CA4337646.

ClinVar aggregate classification (germline): Uncertain significance. Review status: criteria provided, multiple submitters, no conflicts (2 of 4 stars). 2 submissions from 2 submitters: Uncertain significance (2). Last evaluated 2024-10-30.

Conditions:
Long QT syndrome (LQTS). Identifiers: MedGen C0023976, MeSH D008133, MONDO:0002442. Disease mechanism: loss of function. Inheritance: Various modes of inheritance.
Cardiovascular phenotype. Identifiers: MedGen CN230736.

Allele frequency attached by ClinVar (database versions not stated): TOPMed below 0.00001; ExAC 0.00001; gnomAD 0.00001; gnomAD exomes 0.00001; ESP Exome Variant Server 0.00008.
gnomAD v4.1: 11 of 1,612,750 alleles (0.00068%); highest among the groups gnomAD compares: Non-Finnish European, 0.00085%; no homozygotes.

Submissions (2):

Labcorp Genetics (formerly Invitae), Labcorp
Classification: Uncertain significance for Long QT syndrome. Last evaluated: 2024-10-30. Review status: criteria provided, single submitter. Criteria: Invitae Variant Classification Sherloc (09022015). Collection method: clinical testing. Allele origin: germline.
Comment: This sequence change affects an acceptor splice site in intron 36 of the AKAP9 gene. It is expected to disrupt RNA splicing. Variants that disrupt the donor or acceptor splice site typically lead to a loss of protein function (PMID: 16199547), however the current clinical and genetic evidence is not sufficient to establish whether loss-of-function variants in AKAP9 cause disease. This variant is not present in population databases (gnomAD no frequency). This variant has not been reported in the literature in individuals affected with AKAP9-related conditions. ClinVar contains an entry for this variant (Variation ID: 3225107). Algorithms developed to predict the effect of sequence changes on RNA splicing suggest that this variant may disrupt the consensus splice site. In summary, the available evidence is currently insufficient to determine the role of this variant in disease. Therefore, it has been classified as a Variant of Uncertain Significance.

Ambry Genetics
Classification: Uncertain significance for Cardiovascular phenotype. Last evaluated: 2024-02-01. Review status: criteria provided, single submitter. Criteria: Ambry Variant Classification Scheme 2023. Collection method: clinical testing. Allele origin: germline.
Comment: The c.9025-1G>C intronic variant results from a G to C substitution one nucleotide before coding exon 37 of the AKAP9 gene. This nucleotide position is highly conserved in available vertebrate species. In silico splice site analysis predicts that this alteration will weaken the native splice acceptor site and will result in the creation or strengthening of a novel splice acceptor site. Alterations that disrupt the canonical splice site are expected to cause aberrant splicing, resulting in an abnormal protein or a transcript that is subject to nonsense-mediated mRNA decay. However, loss of function of AKAP9 has not been established as a mechanism of disease. The evidence for this gene-disease relationship is limited; therefore, the clinical significance of this alteration is unclear.

Literature cited by the submitters: PubMed 16199547 (cited by Labcorp Genetics (formerly Invitae), Labcorp).